The following is an entry in ClinVar:

NM_001370466.1(NOD2):c.247G>A (p.Ala83Thr)

Gene: NOD2 (nucleotide binding oligomerization domain containing 2; plus strand). Cytogenetic location: 16q12.1.
Variant type: single nucleotide variant.
Coding change: c.247G>A on transcript NM_001370466.1 (MANE Select); coding-DNA position 247, G replaced by A.
Protein change: p.Ala83Thr; replaces alanine 83 with threonine.
Molecular consequence: missense variant. On other transcripts: non-coding transcript variant (1).
Genome position (GRCh38, 1-based): chr16:50,699,742, G>A. VCF-style: chr16-50699742-G-A. GRCh37 (hg19) VCF-style: chr16-50733653-G-A.
Other names: c.247G>A, p.Ala83Thr (NM_001293557.2); c.328G>A, p.Ala110Thr (NM_022162.3); short protein forms A83T, A110T.
Identifiers: ClinVar variation 886097 (VCV000886097.10), dbSNP rs571102620, ClinGen allele CA8051252.

ClinVar aggregate classification (germline): Conflicting classifications of pathogenicity. Review status: criteria provided, conflicting classifications (1 of 4 stars). 4 submissions from 3 submitters: Uncertain significance (2); Benign (2). Last evaluated 2024-01-02.

Conditions:
Blau syndrome (BLAUS). Also called: ARTHROCUTANEOUVEAL GRANULOMATOSIS; GRANULOMATOSIS, FAMILIAL JUVENILE SYSTEMIC; GRANULOMATOSIS, FAMILIAL, BLAU TYPE; GRANULOMATOUS INFLAMMATORY ARTHRITIS, DERMATITIS, AND UVEITIS, FAMILIAL; JABS SYNDROME. Identifiers: Orphanet 90340, MedGen C5201146, MONDO:0008523, OMIM 186580.
Inflammatory bowel disease 1 (IBD1). Also called: INFLAMMATORY BOWEL DISEASE (CROHN DISEASE) 1; Inflammatory bowel disease 1, Crohn disease. Identifiers: MedGen CN260071, MONDO:0009960, OMIM 266600.
Yao syndrome. Also called: Susceptibility to Yao syndrome. Identifiers: MedGen C4310620, MONDO:0015019, OMIM 617321.
Regional enteritis. Also called: Enteritis, Granulomatous. Identifiers: MedGen C0678202, MeSH D003424.

Allele frequency attached by ClinVar (database versions not stated): gnomAD 0.00003 and 0.00005; ExAC 0.00008; gnomAD exomes 0.00008; TOPMed 0.00008; 1000 Genomes Project 30x 0.00031; 1000 Genomes Project 0.00040.
gnomAD v4.1: 77 of 1,614,052 alleles (0.0048%); highest among the groups gnomAD compares: East Asian, 0.17%; 1 homozygote.

Submissions (4):

Labcorp Genetics (formerly Invitae), Labcorp
Classification: Benign for Regional enteritis; Blau syndrome. Last evaluated: 2024-01-02. Review status: criteria provided, single submitter. Criteria: Invitae Variant Classification Sherloc (09022015). Collection method: clinical testing. Allele origin: germline.

Department of Pathology and Laboratory Medicine, Sinai Health System
Classification: Uncertain significance for Blau syndrome; Inflammatory bowel disease 1; Yao syndrome. Last evaluated: 2022-05-06. Review status: criteria provided, single submitter. Criteria: ACMG Guidelines, 2015. Collection method: research. Allele origin: germline.

Illumina Laboratory Services, Illumina
Classification: Uncertain significance for Inflammatory bowel disease 1. Last evaluated: 2018-01-13. Review status: criteria provided, single submitter. Criteria: ICSL Variant Classification Criteria 13 December 2019. Collection method: clinical testing. Allele origin: germline.

Illumina Laboratory Services, Illumina
Classification: Benign for Blau syndrome. Last evaluated: 2018-01-13. Review status: criteria provided, single submitter. Criteria: ICSL Variant Classification Criteria 13 December 2019. Collection method: clinical testing. Allele origin: germline.
Comment: This variant was observed in the ICSL laboratory as part of a predisposition screen in an ostensibly healthy population. It had not been previously curated by ICSL or reported in the Human Gene Mutation Database (HGMD: prior to June 1st, 2018), and was therefore a candidate for classification through an automated scoring system. Utilizing variant allele frequency, disease prevalence and penetrance estimates, and inheritance mode, an automated score was calculated to assess if this variant is too frequent to cause the disease. Based on the score and internal cut-off values, a variant classified as benign is not then subjected to further curation. The score for this variant resulted in a classification of benign for this disease.